The following is an entry in ClinVar:

NM_001206999.2(CIT):c.292G>A (p.Glu98Lys)

Gene: CIT (citron rho-interacting serine/threonine kinase; minus strand). Cytogenetic location: 12q24.23.
Variant type: single nucleotide variant.
Coding change: c.292G>A on transcript NM_001206999.2 (MANE Select); coding-DNA position 292, G replaced by A.
Protein change: p.Glu98Lys; replaces glutamic acid 98 with lysine.
Molecular consequence: missense variant.
Genome position (GRCh38, 1-based): chr12:119,857,645, C>T on the plus strand (G>A on the coding strand, the complement: CIT is on the minus strand). VCF-style: chr12-119857645-C-T. GRCh37 (hg19) VCF-style: chr12-120295449-C-T.
Other names: c.292G>A, p.Glu98Lys (NM_007174.3); short protein forms E98K.
Identifiers: ClinVar variation 2890160 (VCV002890160.3), dbSNP rs1433521956, ClinGen allele CA386549348.

ClinVar aggregate classification (germline): Uncertain significance (1 of 4 stars; one submission).

Allele frequency attached by ClinVar (database versions not stated): TOPMed below 0.00001; gnomAD 0.00001.

Submission:

Labcorp Genetics (formerly Invitae), Labcorp
Classification: Uncertain significance. Last evaluated: 2023-06-19. Review status: criteria provided, single submitter. Criteria: Invitae Variant Classification Sherloc (09022015). Collection method: clinical testing. Allele origin: germline.
Comment: This sequence change replaces glutamic acid, which is acidic and polar, with lysine, which is basic and polar, at codon 98 of the CIT protein (p.Glu98Lys). This variant is present in population databases (no rsID available, gnomAD 0.03%). This variant has not been reported in the literature in individuals affected with CIT-related conditions. An algorithm developed to predict the effect of missense changes on protein structure and function (PolyPhen-2) suggests that this variant is likely to be tolerated. In summary, the available evidence is currently insufficient to determine the role of this variant in disease. Therefore, it has been classified as a Variant of Uncertain Significance.